The following is an entry in ClinVar:

ClinVar aggregate classification (germline): Uncertain significance (1 of 4 stars; one submission).

Submission:

Labcorp Genetics (formerly Invitae), Labcorp
Classification: Uncertain significance. Last evaluated: 2025-09-13. Review status: criteria provided, single submitter. Criteria: Invitae Variant Classification Sherloc (09022015). Collection method: clinical testing. Allele origin: germline.
Comment: This sequence change replaces alanine, which is neutral and non-polar, with threonine, which is neutral and polar, at codon 183 of the FGG protein (p.Ala183Thr). This variant is not present in population databases (gnomAD no frequency). This variant has not been reported in the literature in individuals affected with FGG-related conditions. Invitae Evidence Modeling of protein sequence and biophysical properties (such as structural, functional, and spatial information, amino acid conservation, physicochemical variation, residue mobility, and thermodynamic stability) indicates that this missense variant is not expected to disrupt FGG protein function with a negative predictive value of 80%. In summary, the available evidence is currently insufficient to determine the role of this variant in disease. Therefore, it has been classified as a Variant of Uncertain Significance.

NM_021870.3(FGG):c.547G>A (p.Ala183Thr)

Gene: FGG (fibrinogen gamma chain; minus strand). Cytogenetic location: 4q32.1.
Variant type: single nucleotide variant.
Coding change: c.547G>A on transcript NM_021870.3 (MANE Select); coding-DNA position 547, G replaced by A.
Protein change: p.Ala183Thr; replaces alanine 183 with threonine.
Molecular consequence: missense variant.
Genome position (GRCh38, 1-based): chr4:154,609,749, C>T on the plus strand (G>A on the coding strand, the complement: FGG is on the minus strand). VCF-style: chr4-154609749-C-T. GRCh37 (hg19) VCF-style: chr4-155530901-C-T.
Other names: c.547G>A, p.Ala183Thr (NM_000509.6); short protein forms A183T.
Identifiers: ClinVar variation 4745400 (VCV004745400.1).
Genomic context (GRCh38, chr4:154,609,749, plus strand): 5'-GCTGGTTAGCTTTCAGAGGTTTAATAAAGTAAAGCCCGCTCTGTTTAGCTCCCTTATTGG[C>T]AATGTCTTGACAATCTAGAGAAGGAGAATCGACTTTTACTGTGGTTTGAAATGCAGGTAA-3'
Protein context (NP_068656.2, residues 173-193): DITGKDCQDI[Ala183Thr]NKGAKQSGLY